The following is an entry in ClinVar:

ClinVar aggregate classification (germline): Likely benign (1 of 4 stars; one submission).

Allele frequency attached by ClinVar (database versions not stated): gnomAD 0.00017; TOPMed 0.00029; ESP Exome Variant Server 0.00033.
gnomAD v4.1: 263 of 1,614,016 alleles (0.016%); highest among the groups gnomAD compares: Admixed American, 0.043%; no homozygotes.

Submission:

CeGaT Center for Human Genetics Tuebingen
Classification: Likely benign. Last evaluated: 2023-03-01. Review status: criteria provided, single submitter. Criteria: CeGaT Center For Human Genetics Tuebingen Variant Classification Criteria Version 2. Collection method: clinical testing. Allele origin: germline. Affected: yes. Observed: 1 variant allele.
Comment: USF3: BP4, BP7

NM_001009899.4(USF3):c.3252C>T (p.Ala1084=)

Gene: USF3 (upstream transcription factor family member 3; minus strand). Cytogenetic location: 3q13.2.
Variant type: single nucleotide variant.
Coding change: c.3252C>T on transcript NM_001009899.4 (MANE Select); coding-DNA position 3252, C replaced by T.
Protein change: p.Ala1084=; no amino-acid change (alanine 1084 retained).
Molecular consequence: synonymous variant.
Genome position (GRCh38, 1-based): chr3:113,658,430, G>A on the plus strand (C>T on the coding strand, the complement: USF3 is on the minus strand). VCF-style: chr3-113658430-G-A. GRCh37 (hg19) VCF-style: chr3-113377277-G-A.
Identifiers: ClinVar variation 2654048 (VCV002654048.24), dbSNP rs369937735, ClinGen allele CA2546994.
Genomic context (GRCh38, chr3:113,658,430, plus strand): 5'-AAGCATGGATGCAACTGAGAAACTACGACTACTGCCAGAGCTGGTTGACATGGGAGAGTC[G>A]GCCTGTCTACCGTTGATCAAAGAACCATTAATAACCTCTTGATCAGGGAGGCAGGAATGA-3'
Protein context (NP_001009899.3, residues 1074-1094): INGSLINGRQ[Ala1084=]DSPMSTSSGS